The following is an entry in ClinVar:

ClinVar aggregate classification (germline): Uncertain significance. Review status: criteria provided, multiple submitters, no conflicts (2 of 4 stars). 2 submissions from 2 submitters: Uncertain significance (2). Last evaluated 2024-03-12.

Conditions:
Vitamin D hydroxylation-deficient rickets, type 1B. Also called: PSEUDOVITAMIN D3 DEFICIENCY RICKETS DUE TO 25-HYDROXYLASE DEFICIENCY; VITAMIN D-DEPENDENT RICKETS, TYPE 1B; Rickets due to Defect in Vitamin D 25-hydroxylation. Identifiers: Orphanet 289157, MedGen C1838657, MONDO:0010810, OMIM 600081.

Submissions (2):

Blueprint Genetics
Classification: Uncertain significance. Last evaluated: 2024-03-12. Review status: criteria provided, single submitter. Criteria: ACMG Guidelines, 2015. Collection method: clinical testing. Allele origin: germline.

Centre for Mendelian Genomics, University Medical Centre Ljubljana
Classification: Uncertain significance for Vitamin D hydroxylation-deficient rickets, type 1B. Last evaluated: 2018-10-15. Review status: criteria provided, single submitter. Criteria: ACMG Guidelines, 2015. Collection method: clinical testing. Allele origin: unknown. Affected: yes.
Comment: This variant was classified as: Uncertain significance. The available evidence favors the pathogenic nature of this variant, however the currently available data is insufficient to conclusively support its pathogenic nature. Thus this variant is classified as Uncertain significance - favor pathogenic. The following ACMG criteria were applied in classifying this variant: PM2,PP3.

NM_024514.5(CYP2R1):c.1181T>C (p.Ile394Thr)

Genes: CYP2R1 (cytochrome P450 family 2 subfamily R member 1; minus strand), PDE3B (phosphodiesterase 3B; plus strand). Cytogenetic location: 11p15.2.
Variant type: single nucleotide variant.
Coding change: c.1181T>C on transcript NM_024514.5 (MANE Select); coding-DNA position 1181, T replaced by C.
Protein change: p.Ile394Thr; replaces isoleucine 394 with threonine.
Molecular consequence: missense variant.
Genome position (GRCh38, 1-based): chr11:14,879,263, A>G on the plus strand (T>C on the coding strand, the complement: CYP2R1 is on the minus strand). VCF-style: chr11-14879263-A-G. GRCh37 (hg19) VCF-style: chr11-14900809-A-G.
Other names: c.836T>C, p.Ile279Thr (NM_001377214.1, NM_001377215.1, NM_001377216.1 and 1 more transcripts); c.1019T>C, p.Ile340Thr (NM_001377217.1); short protein forms I340T, I394T, I279T.
Identifiers: ClinVar variation 930898 (VCV000930898.4), dbSNP rs1848277685, ClinGen allele CA379744976.